The following is an entry in ClinVar:

ClinVar aggregate classification (germline): Uncertain significance (1 of 4 stars; one submission).

Conditions:
Primary dilated cardiomyopathy (DCM). Also called: Dilated Cardiomyopathy. Identifiers: Orphanet 217604, MedGen C0007193, MeSH D002311, MONDO:0005021, HP:0001644. Inheritance: Various modes of inheritance.
Hypertrophic cardiomyopathy. Also called: HYPERTROPHIC MYOCARDIOPATHY. Identifiers: Orphanet 217569, MedGen C0007194, MeSH D002312, MONDO:0005045, HP:0001639.

Allele frequency attached by ClinVar (database versions not stated): ExAC 0.00001; ESP Exome Variant Server 0.00008.
gnomAD v4.1: 8 of 1,614,176 alleles (0.0005%); highest among the groups gnomAD compares: Admixed American, 0.0033%; no homozygotes.

Submission:

Labcorp Genetics (formerly Invitae), Labcorp
Classification: Uncertain significance for Hypertrophic cardiomyopathy; Primary dilated cardiomyopathy. Last evaluated: 2023-03-30. Review status: criteria provided, single submitter. Criteria: Invitae Variant Classification Sherloc (09022015). Collection method: clinical testing. Allele origin: germline.
Comment: In summary, the available evidence is currently insufficient to determine the role of this variant in disease. Therefore, it has been classified as a Variant of Uncertain Significance. This sequence change replaces alanine, which is neutral and non-polar, with valine, which is neutral and non-polar, at codon 167 of the PDLIM3 protein (p.Ala167Val). This variant is present in population databases (rs371228193, gnomAD 0.003%). This variant has not been reported in the literature in individuals affected with PDLIM3-related conditions. ClinVar contains an entry for this variant (Variation ID: 2182826). Advanced modeling of protein sequence and biophysical properties (such as structural, functional, and spatial information, amino acid conservation, physicochemical variation, residue mobility, and thermodynamic stability) performed at Invitae indicates that this missense variant is not expected to disrupt PDLIM3 protein function.

NM_014476.6(PDLIM3):c.500C>T (p.Ala167Val)

Gene: PDLIM3 (PDZ and LIM domain 3; minus strand). Cytogenetic location: 4q35.1.
Variant type: single nucleotide variant.
Coding change: c.500C>T on transcript NM_014476.6 (MANE Select); coding-DNA position 500, C replaced by T.
Protein change: p.Ala167Val; replaces alanine 167 with valine.
Molecular consequence: missense variant. On other transcripts: intron variant (3).
Genome position (GRCh38, 1-based): chr4:185,508,461, G>A on the plus strand (C>T on the coding strand, the complement: PDLIM3 is on the minus strand). VCF-style: chr4-185508461-G-A. GRCh37 (hg19) VCF-style: chr4-186429615-G-A.
Other names: c.162-1809C>T (NM_001257963.2); c.399-1809C>T (NM_001257962.2); c.519-1809C>T (NM_001114107.5); short protein forms A167V.
Identifiers: ClinVar variation 2182826 (VCV002182826.4), dbSNP rs371228193, ClinGen allele CA3159764.